The following is an entry in ClinVar:

ClinVar aggregate classification (germline): Benign. Review status: criteria provided, multiple submitters, no conflicts (2 of 4 stars). 6 submissions from 6 submitters: Benign (6). Last evaluated 2026-02-04.

Conditions:
Dermatofibrosis lenticularis disseminata (BOS). Also called: OSTEOPATHIA CONDENSANS DISSEMINATA; DERMATOFIBROSIS LENTICULARIS DISSEMINATA WITH OSTEOPOIKILOSIS; DERMATOOSTEOPOIKILOSIS. Identifiers: Orphanet 1306, MedGen C0265514, MONDO:0008157, OMIM 166700.

Allele frequency attached by ClinVar (database versions not stated): TOPMed 0.06786; gnomAD 0.06852 and 0.07103; gnomAD exomes 0.07350 and 0.08955; 1000 Genomes Project 30x 0.08260; 1000 Genomes Project 0.08327; ExAC 0.20349.
gnomAD v4.1: 106,191 of 1,449,138 alleles (7.3%); highest among the groups gnomAD compares: East Asian, 15%; 4,355 homozygotes.

Submissions (6):

Labcorp Genetics (formerly Invitae), Labcorp
Classification: Benign. Last evaluated: 2026-02-04. Review status: criteria provided, single submitter. Criteria: Invitae Variant Classification Sherloc (09022015). Collection method: clinical testing. Allele origin: germline.

Blueprint Genetics
Classification: Benign. Last evaluated: 2024-11-27. Review status: criteria provided, single submitter. Criteria: ACMG Guidelines, 2015. Collection method: clinical testing. Allele origin: germline.

GeneDx
Classification: Benign. Last evaluated: 2021-06-09. Review status: criteria provided, single submitter. Criteria: GeneDx Variant Classification Process June 2021. Collection method: clinical testing. Allele origin: germline. Affected: yes.

Illumina Laboratory Services, Illumina
Classification: Benign for Dermatofibrosis lenticularis disseminata. Last evaluated: 2018-01-13. Review status: criteria provided, single submitter. Criteria: ICSL Variant Classification Criteria 13 December 2019. Collection method: clinical testing. Allele origin: germline.
Comment: This variant was observed in the ICSL laboratory as part of a predisposition screen in an ostensibly healthy population. It had not been previously curated by ICSL or reported in the Human Gene Mutation Database (HGMD: prior to June 1st, 2018), and was therefore a candidate for classification through an automated scoring system. Utilizing variant allele frequency, disease prevalence and penetrance estimates, and inheritance mode, an automated score was calculated to assess if this variant is too frequent to cause the disease. Based on the score and internal cut-off values, a variant classified as benign is not then subjected to further curation. The score for this variant resulted in a classification of benign for this disease.

Eurofins Ntd Llc (ga)
Classification: Benign. Last evaluated: 2016-10-06. Review status: criteria provided, single submitter. Criteria: EGL Classification Definitions 2015. Collection method: clinical testing. Allele origin: germline. Observed: 1 variant allele, 1 heterozygote.

Breakthrough Genomics
Classification: Benign. Review status: criteria provided, single submitter. Criteria: ACMG Guidelines, 2015. Collection method: not provided. Allele origin: germline. Inheritance: Autosomal dominant inheritance. Affected: yes.

NM_014319.5(LEMD3):c.336C>T (p.Ala112=)

Genes: LEMD3 (LEM domain containing 3; plus strand), LOC130008224 (ATAC-STARR-seq lymphoblastoid silent region 4630; plus strand). Cytogenetic location: 12q14.3.
Variant type: single nucleotide variant.
Coding change: c.336C>T on transcript NM_014319.5 (MANE Select); coding-DNA position 336, C replaced by T.
Protein change: p.Ala112=; no amino-acid change (alanine 112 retained).
Molecular consequence: synonymous variant.
Genome position (GRCh38, 1-based): chr12:65,169,932, C>T. VCF-style: chr12-65169932-C-T. GRCh37 (hg19) VCF-style: chr12-65563712-C-T.
Other names: c.336C>T, p.Ala112= (NM_001167614.2).
Identifiers: ClinVar variation 310219 (VCV000310219.21), dbSNP rs61736594, ClinGen allele CA6670712.
Genomic context (GRCh38, chr12:65,169,932, plus strand): 5'-GCCGGTCTCGGGCGACCTCTCCTACTTACGGACTCCTGGGGGCCTGTGCCGAATCTCGGC[C>T]TCTGGCCCAGAGAGCCTCCTGGGAGGGCCCGGGGGCGCCTCCGCCGCCCCCGCGGCTGGC-3'
Protein context (NP_055134.2, residues 102-122): RTPGGLCRIS[Ala112=]SGPESLLGGP